The following is an entry in ClinVar:

ClinVar aggregate classification (germline): Likely benign. Review status: criteria provided, multiple submitters, no conflicts (2 of 4 stars). 2 submissions from 2 submitters: Likely benign (2). Last evaluated 2026-06-09.

Submissions (2):

Women's Health and Genetics/Laboratory Corporation of America, LabCorp
Classification: Likely benign. Last evaluated: 2026-06-09. Review status: criteria provided, single submitter. Criteria: LabCorp Variant Classification Summary - May 2015. Collection method: clinical testing. Allele origin: germline.
Comment: Variant summary: COL11A2 c.444-19C>T alters a nucleotide located at a position not widely known to affect splicing. Consensus agreement among computation tools predict no significant impact on normal splicing. However, these predictions have yet to be confirmed by functional studies. The variant was absent in 246256 control chromosomes. The available data on variant occurrences in the general population are insufficient to allow any conclusion about variant significance. To our knowledge, no occurrence of c.444-19C>T in individuals affected with COL11A2-related conditions and no experimental evidence demonstrating its impact on protein function have been reported. ClinVar contains an entry for this variant (Variation ID: 3729873). Based on the evidence outlined above, the variant was classified as likely benign.

Labcorp Genetics (formerly Invitae), Labcorp
Classification: Likely benign. Last evaluated: 2025-01-31. Review status: criteria provided, single submitter. Criteria: Invitae Variant Classification Sherloc (09022015). Collection method: clinical testing. Allele origin: germline.

NM_080680.3(COL11A2):c.444-19C>T

Gene: COL11A2 (collagen type XI alpha 2 chain; minus strand). Cytogenetic location: 6p21.32.
Variant type: single nucleotide variant.
Coding change: c.444-19C>T on transcript NM_080680.3 (MANE Select); 19 bases into the intron before coding-DNA position 444, C replaced by T.
Molecular consequence: intron variant.
Genome position (GRCh38, 1-based): chr6:33,188,543, G>A on the plus strand (C>T on the coding strand, the complement: COL11A2 is on the minus strand). VCF-style: chr6-33188543-G-A. GRCh37 (hg19) VCF-style: chr6-33156320-G-A.
Other names: c.-403-19C>T (NM_001424111.1, NM_001424110.1, NM_001424109.1); c.444-19C>T (NM_080679.3, NM_080681.3, NM_001424108.1 and 1 more transcripts).
Identifiers: ClinVar variation 3729873 (VCV003729873.3).